The following is an entry in ClinVar:

ClinVar aggregate classification (germline): Likely pathogenic (0 of 4 stars; one submission).

Conditions:
COL1A1-related disorder. Also called: COL1A1- related disease; COL1A1-related condition.

Submission:

PreventionGenetics, part of Exact Sciences
Classification: Likely pathogenic for COL1A1-related condition. Last evaluated: 2024-05-10. Review status: no assertion criteria provided. Collection method: clinical testing. Allele origin: germline.
Comment: The COL1A1 c.1821+4_1821+7delAGTA variant is predicted to result in an intronic deletion. This variant has been reported in an individual with Osteogenesis imperfecta II (Additional file 1, Maioli et al. 2019. PubMed ID: 30886339). This variant is predicted to alter splicing based on available splicing prediction programs (SpliceAI, Jaganathan et al. 2019. PubMed ID: 30661751). This variant has not been reported in a large population database, indicating this variant is rare. Variants that cause aberrant splicing in COL1A1 are predicted to be pathogenic. This variant is interpreted as likely pathogenic.

NM_000088.4(COL1A1):c.1821+4_1821+7del

Gene: COL1A1 (collagen type I alpha 1 chain; minus strand). Cytogenetic location: 17q21.33.
Variant type: Deletion.
Coding change: c.1821+4_1821+7del on transcript NM_000088.4 (MANE Select); bases 4 to 7 of the intron after coding-DNA position 1821, 4 bases deleted (AGTA; older notation c.1821+4_1821+7delAGTA).
Molecular consequence: splice donor variant.
Genome position (GRCh38, 1-based): chr17:50,192,987-50,192,990, TACT deleted on the plus strand (AGTA on the coding strand, the reverse complement: COL1A1 is on the minus strand); deleting any 4 consecutive bases within chr17:50,192,987-50,192,993 gives the same sequence; the c. name uses the placement nearest the transcript's 3' end. VCF-style (leftmost placement, unchanged base first): chr17-50192986-ATACT-A. GRCh37 (hg19) VCF-style: chr17-48270347-ATACT-A.
Identifiers: ClinVar variation 3347600 (VCV003347600.1).